The following is an entry in ClinVar:

NM_000548.5(TSC2):c.2445G>T (p.Met815Ile)

Gene: TSC2 (TSC complex subunit 2; plus strand). Cytogenetic location: 16p13.3.
Variant type: single nucleotide variant.
Coding change: c.2445G>T on transcript NM_000548.5 (MANE Select); coding-DNA position 2445, G replaced by T.
Protein change: p.Met815Ile; replaces methionine 815 with isoleucine.
Molecular consequence: missense variant.
Genome position (GRCh38, 1-based): chr16:2,074,289, G>T. VCF-style: chr16-2074289-G-T. GRCh37 (hg19) VCF-style: chr16-2124290-G-T.
Other names: c.2445G>T, p.Met815Ile (NM_001370404.1, NM_001370405.1, NM_021055.3 and 3 more transcripts); c.2334G>T, p.Met778Ile (NM_001318827.2); c.2298G>T, p.Met766Ile (NM_001318829.2); c.1845G>T, p.Met615Ile (NM_001318831.2); c.2478G>T, p.Met826Ile (NM_001318832.2); short protein forms M815I, M615I, M826I, M778I, M766I.
Identifiers: ClinVar variation 834126 (VCV000834126.10), dbSNP rs1203344843, ClinGen allele CA394277432.

ClinVar aggregate classification (germline): Uncertain significance. Review status: criteria provided, multiple submitters, no conflicts (2 of 4 stars). 2 submissions from 2 submitters: Uncertain significance (2). Last evaluated 2025-08-10.

Conditions:
Tuberous sclerosis 2 (TSC2). Identifiers: Orphanet 805, MedGen C1860707, MONDO:0013199, OMIM 613254.
Hereditary cancer-predisposing syndrome. Also called: Neoplastic Syndromes, Hereditary; Hereditary neoplastic syndrome; Tumor predisposition; Hereditary Cancer Syndrome. Identifiers: Orphanet 140162, MedGen C0027672, MeSH D009386, MONDO:0015356.

Allele frequency attached by ClinVar (database versions not stated): gnomAD 0.00001.
gnomAD v4.1: 1 of 1,613,028 alleles (0.000062%); highest among the groups gnomAD compares: African/African-American, 0.0013%; no homozygotes.

Submissions (2):

Labcorp Genetics (formerly Invitae), Labcorp
Classification: Uncertain significance for Tuberous sclerosis 2. Last evaluated: 2025-08-10. Review status: criteria provided, single submitter. Criteria: Invitae Variant Classification Sherloc (09022015). Collection method: clinical testing. Allele origin: germline.
Comment: This sequence change replaces methionine, which is neutral and non-polar, with isoleucine, which is neutral and non-polar, at codon 815 of the TSC2 protein (p.Met815Ile). This variant is present in population databases (no rsID available, gnomAD 0.01%). This variant has not been reported in the literature in individuals affected with TSC2-related conditions. ClinVar contains an entry for this variant (Variation ID: 834126). Invitae Evidence Modeling of protein sequence and biophysical properties (such as structural, functional, and spatial information, amino acid conservation, physicochemical variation, residue mobility, and thermodynamic stability) indicates that this missense variant is not expected to disrupt TSC2 protein function with a negative predictive value of 95%. In summary, the available evidence is currently insufficient to determine the role of this variant in disease. Therefore, it has been classified as a Variant of Uncertain Significance.

Ambry Genetics
Classification: Uncertain significance for Hereditary cancer-predisposing syndrome. Last evaluated: 2024-04-17. Review status: criteria provided, single submitter. Criteria: Ambry Variant Classification Scheme 2023. Collection method: clinical testing. Allele origin: germline.
Comment: The p.M815I variant (also known as c.2445G>T), located in coding exon 21 of the TSC2 gene, results from a G to T substitution at nucleotide position 2445. The methionine at codon 815 is replaced by isoleucine, an amino acid with highly similar properties. This amino acid position is highly conserved in available vertebrate species. In addition, this alteration is predicted to be deleterious by in silico analysis. Based on the available evidence, the clinical significance of this variant remains unclear.